The following is an entry in ClinVar:

ClinVar aggregate classification (germline): Uncertain significance (1 of 4 stars; one submission).

Conditions:
Cardiovascular phenotype. Identifiers: MedGen CN230736.

Allele frequency attached by ClinVar (database versions not stated): gnomAD exomes below 0.00001; TOPMed below 0.00001.
gnomAD v4.1: 2 of 1,613,958 alleles (0.00012%); highest among the groups gnomAD compares: Non-Finnish European, 0.00017%; no homozygotes.

Submission:

Ambry Genetics
Classification: Uncertain significance for Cardiovascular phenotype. Last evaluated: 2021-09-13. Review status: criteria provided, single submitter. Criteria: Ambry Variant Classification Scheme 2023. Collection method: clinical testing. Allele origin: germline.
Comment: The c.90G>T variant (also known as p.S30S), located in coding exon 2 of the SCN4B gene, results from a G to T substitution at nucleotide position 90. This nucleotide substitution does not change the serine at codon 30. This nucleotide position is not well conserved in available vertebrate species. In silico splice site analysis predicts that this alteration may result in the creation or strengthening of a novel splice acceptor site. Since supporting evidence is limited at this time, the clinical significance of this alteration remains unclear.

NM_174934.4(SCN4B):c.90G>T (p.Ser30=)

Gene: SCN4B (sodium voltage-gated channel beta subunit 4; minus strand). Cytogenetic location: 11q23.3.
Variant type: single nucleotide variant.
Coding change: c.90G>T on transcript NM_174934.4 (MANE Select); coding-DNA position 90, G replaced by T.
Protein change: p.Ser30=; no amino-acid change (serine 30 retained).
Molecular consequence: synonymous variant. On other transcripts: 5 prime UTR variant (1), non-coding transcript variant (1), intron variant (1).
Genome position (GRCh38, 1-based): chr11:118,145,201, C>A on the plus strand (G>T on the coding strand, the complement: SCN4B is on the minus strand). VCF-style: chr11-118145201-C-A. GRCh37 (hg19) VCF-style: chr11-118015916-C-A.
Other names: c.-241G>T (NM_001142349.2); c.62-3865G>T (NM_001142348.2).
Identifiers: ClinVar variation 1765811 (VCV001765811.2), dbSNP rs1948156331, ClinGen allele CA477077867.